The following is an entry in ClinVar:

ClinVar aggregate classification (germline): Uncertain significance. Review status: criteria provided, multiple submitters, no conflicts (2 of 4 stars). 3 submissions from 3 submitters: Uncertain significance (3). Last evaluated 2023-01-24.

Conditions:
Inborn genetic diseases. Identifiers: MedGen C0950123, MeSH D030342.

Allele frequency attached by ClinVar (database versions not stated): gnomAD exomes 0.00001 and 0.00003; ExAC 0.00002; TOPMed 0.00002; ESP Exome Variant Server 0.00008.
gnomAD v4.1: 22 of 1,613,890 alleles (0.0014%); highest among the groups gnomAD compares: South Asian, 0.0022%; no homozygotes.

Submissions (3):

Ambry Genetics
Classification: Uncertain significance for Inborn genetic diseases. Last evaluated: 2023-01-24. Review status: criteria provided, single submitter. Criteria: Ambry Variant Classification Scheme 2023. Collection method: clinical testing. Allele origin: germline.

Labcorp Genetics (formerly Invitae), Labcorp
Classification: Uncertain significance. Last evaluated: 2021-10-14. Review status: criteria provided, single submitter. Criteria: Invitae Variant Classification Sherloc (09022015). Collection method: clinical testing. Allele origin: germline.
Comment: This sequence change replaces arginine with histidine at codon 26 of the EXTL3 protein (p.Arg26His). The arginine residue is moderately conserved and there is a small physicochemical difference between arginine and histidine. This variant is present in population databases (rs146905864, ExAC 0.006%). This variant has not been reported in the literature in individuals affected with EXTL3-related conditions. Algorithms developed to predict the effect of missense changes on protein structure and function (SIFT, PolyPhen-2, Align-GVGD) all suggest that this variant is likely to be tolerated. In summary, the available evidence is currently insufficient to determine the role of this variant in disease. Therefore, it has been classified as a Variant of Uncertain Significance.

Blueprint Genetics
Classification: Uncertain significance. Last evaluated: 2019-09-05. Review status: criteria provided, single submitter. Criteria: ACMG Guidelines, 2015. Collection method: clinical testing. Allele origin: germline.

NM_001440.4(EXTL3):c.77G>A (p.Arg26His)

Gene: EXTL3 (exostosin like glycosyltransferase 3; plus strand). Cytogenetic location: 8p21.1.
Variant type: single nucleotide variant.
Coding change: c.77G>A on transcript NM_001440.4 (MANE Select); coding-DNA position 77, G replaced by A.
Protein change: p.Arg26His; replaces arginine 26 with histidine.
Molecular consequence: missense variant.
Genome position (GRCh38, 1-based): chr8:28,716,136, G>A. VCF-style: chr8-28716136-G-A. GRCh37 (hg19) VCF-style: chr8-28573653-G-A.
Other names: c.77G>A (NM_001440.2); short protein forms R26H.
Identifiers: ClinVar variation 1358846 (VCV001358846.8), dbSNP rs146905864, ClinGen allele CA4695926.
Genomic context (GRCh38, chr8:28,716,136, plus strand): 5'-TGCTGCGGAATGGGGGCGCGGGGAACGGAGGTCAGACCTGCATGCTGCGCTGGTCCAACC[G>A]CATCCGCCTCACGTGGCTCAGCTTCACGCTCTTTGTCATCCTGGTCTTCTTCCCGCTCAT-3'
Protein context (NP_001431.1, residues 16-36): GQTCMLRWSN[Arg26His]IRLTWLSFTL